The following is an entry in ClinVar:

ClinVar aggregate classification (germline): Uncertain significance (1 of 4 stars; one submission).

Allele frequency attached by ClinVar (database versions not stated): gnomAD exomes 0.00004 and 0.00011; gnomAD 0.00007 and 0.00010; ExAC 0.00012; 1000 Genomes Project 30x 0.00031; 1000 Genomes Project 0.00040.
gnomAD v4.1: 69 of 1,613,244 alleles (0.0043%); highest among the groups gnomAD compares: East Asian, 0.042%; 1 homozygote.

Submission:

Labcorp Genetics (formerly Invitae), Labcorp
Classification: Uncertain significance. Last evaluated: 2021-12-08. Review status: criteria provided, single submitter. Criteria: Invitae Variant Classification Sherloc (09022015). Collection method: clinical testing. Allele origin: germline.
Comment: This sequence change replaces asparagine, which is neutral and polar, with serine, which is neutral and polar, at codon 329 of the MBTPS1 protein (p.Asn329Ser). This variant is present in population databases (rs531438774, gnomAD 0.08%). This variant has not been reported in the literature in individuals affected with MBTPS1-related conditions. Algorithms developed to predict the effect of missense changes on protein structure and function (SIFT, PolyPhen-2, Align-GVGD) all suggest that this variant is likely to be tolerated. In summary, the available evidence is currently insufficient to determine the role of this variant in disease. Therefore, it has been classified as a Variant of Uncertain Significance.

NM_003791.4(MBTPS1):c.986A>G (p.Asn329Ser)

Gene: MBTPS1 (membrane bound transcription factor peptidase, site 1; minus strand). Cytogenetic location: 16q23.3.
Variant type: single nucleotide variant.
Coding change: c.986A>G on transcript NM_003791.4 (MANE Select); coding-DNA position 986, A replaced by G.
Protein change: p.Asn329Ser; replaces asparagine 329 with serine.
Molecular consequence: missense variant.
Genome position (GRCh38, 1-based): chr16:84,090,920, T>C on the plus strand (A>G on the coding strand, the complement: MBTPS1 is on the minus strand). VCF-style: chr16-84090920-T-C. GRCh37 (hg19) VCF-style: chr16-84124525-T-C.
Other names: short protein forms N329S.
Identifiers: ClinVar variation 1497567 (VCV001497567.3), dbSNP rs531438774, ClinGen allele CA8201527.